The following is an entry in ClinVar:

NM_017934.7(PHIP):c.3263A>T (p.Gln1088Leu)

Genes: IRAK1BP1 (interleukin 1 receptor associated kinase 1 binding protein 1; plus strand), PHIP (PHIP subunit of CUL4-Ring ligase complex; minus strand). Cytogenetic location: 6q14.1.
Variant type: single nucleotide variant.
Coding change: c.3263A>T on transcript NM_017934.7 (MANE Select); coding-DNA position 3263, A replaced by T.
Protein change: p.Gln1088Leu; replaces glutamine 1088 with leucine.
Molecular consequence: missense variant.
Genome position (GRCh38, 1-based): chr6:78,965,999, T>A on the plus strand (A>T on the coding strand, the complement: PHIP is on the minus strand). VCF-style: chr6-78965999-T-A. GRCh37 (hg19) VCF-style: chr6-79675716-T-A.
Other names: short protein forms Q1088L.
Identifiers: ClinVar variation 3345209 (VCV003345209.1).

ClinVar aggregate classification (germline): Uncertain significance (0 of 4 stars; one submission).

Conditions:
PHIP-related disorder. Also called: PHIP-related condition; PHIP-related disorders.

gnomAD v4.1: 1 of 1,613,898 alleles (0.000062%); highest among the groups gnomAD compares: Non-Finnish European, 0.000085%; no homozygotes.

Submission:

PreventionGenetics, part of Exact Sciences
Classification: Uncertain significance for PHIP-related condition. Last evaluated: 2024-07-24. Review status: no assertion criteria provided. Collection method: clinical testing. Allele origin: germline.
Comment: The PHIP c.3263A>T variant is predicted to result in the amino acid substitution p.Gln1088Leu. To our knowledge, this variant has not been reported in the literature or in a large population database, indicating this variant is rare. At this time, the clinical significance of this variant is uncertain due to the absence of conclusive functional and genetic evidence.